The following is an entry in ClinVar:

NM_004646.4(NPHS1):c.3286G>A (p.Gly1096Ser)

Gene: NPHS1 (NPHS1 adhesion molecule, nephrin; minus strand). Cytogenetic location: 19q13.12.
Variant type: single nucleotide variant.
Coding change: c.3286G>A on transcript NM_004646.4 (MANE Select); coding-DNA position 3286, G replaced by A.
Protein change: p.Gly1096Ser; replaces glycine 1096 with serine.
Molecular consequence: missense variant.
Genome position (GRCh38, 1-based): chr19:35,831,643, C>T on the plus strand (G>A on the coding strand, the complement: NPHS1 is on the minus strand). VCF-style: chr19-35831643-C-T. GRCh37 (hg19) VCF-style: chr19-36322545-C-T.
Other names: short protein forms G1096S.
Identifiers: ClinVar variation 1339110 (VCV001339110.2), dbSNP rs2146807926, ClinGen allele CA405417172.
Genomic context (GRCh38, chr19:35,831,643, plus strand): 5'-ACCACAGGGTTCCCTATCACCCTCGGGTCTCCACCCTGGCAGGGAAGGGTCTCTCCTCAC[C>T]CTCAGCAAGACGCCTGAGTCTCCGCTGCCAGAGGACCCCCCCGACACAGGAGGCATTGGA-3'
Protein context (NP_004637.1, residues 1086-1106): WQRRLRRLAE[Gly1096Ser]ISEKTEAGSE

ClinVar aggregate classification (germline): Uncertain significance (1 of 4 stars; one submission).

Conditions:
Finnish congenital nephrotic syndrome (NPHS1). Also called: NEPHROTIC SYNDROME, TYPE 1. Identifiers: Orphanet 839, MedGen C0403399, MONDO:0009732, OMIM 256300.

Submission:

Neuberg Centre For Genomic Medicine, NCGM
Classification: Uncertain significance for Finnish congenital nephrotic syndrome. Review status: criteria provided, single submitter. Criteria: ACMG Guidelines, 2015. Collection method: clinical testing. Allele origin: germline. Affected: yes.
Comment: The missense variant p.G1096S in NPHS1 (NM_004646.4) has not been reported previously as a pathogenic variant nor as a benign variant, to our knowledge. The p.G1096S variant is novel (not in any individuals) in gnomAD Exomes and is novel (not in any individuals) in 1000 Genomes. In silico predictions are contradictory and the residue is conserved across species. For these reasons, this variant has been classified as Uncertain Significance.